The following is an entry in ClinVar:

NM_006393.3(NEBL):c.383A>G (p.Gln128Arg)

Gene: NEBL (nebulette; minus strand). Cytogenetic location: 10p12.31.
Variant type: single nucleotide variant.
Coding change: c.383A>G on transcript NM_006393.3 (MANE Select); coding-DNA position 383, A replaced by G.
Protein change: p.Gln128Arg; replaces glutamine 128 with arginine.
Molecular consequence: missense variant. On other transcripts: intron variant (9).
Genome position (GRCh38, 1-based): chr10:20,880,891, T>C on the plus strand (A>G on the coding strand, the complement: NEBL is on the minus strand). VCF-style: chr10-20880891-T-C. GRCh37 (hg19) VCF-style: chr10-21169820-T-C.
Other names: c.250-67951A>G (NM_001377326.1, NM_001377327.1, NM_001377328.1); c.358-67951A>G (NM_213569.2, NM_001173484.2, NM_001377322.1); c.301-67951A>G (NM_001377324.1); c.292-67951A>G (NM_001377325.1); c.310-67951A>G (NM_001377323.1); short protein forms Q128R.
Identifiers: ClinVar variation 426645 (VCV000426645.10), dbSNP rs139809958, ClinGen allele CA5433262.

ClinVar aggregate classification (germline): Uncertain significance. Review status: criteria provided, multiple submitters, no conflicts (2 of 4 stars). 2 submissions from 2 submitters: Uncertain significance (2). Last evaluated 2024-03-12.

Conditions:
Primary dilated cardiomyopathy (DCM). Also called: Dilated Cardiomyopathy. Identifiers: Orphanet 217604, MedGen C0007193, MeSH D002311, MONDO:0005021, HP:0001644. Inheritance: Various modes of inheritance.

Allele frequency attached by ClinVar (database versions not stated): TOPMed 0.00006.
gnomAD v4.1: 35 of 1,613,940 alleles (0.0022%); highest among the groups gnomAD compares: Admixed American, 0.0033%; no homozygotes.

Submissions (2):

Labcorp Genetics (formerly Invitae), Labcorp
Classification: Uncertain significance for Primary dilated cardiomyopathy. Last evaluated: 2024-03-12. Review status: criteria provided, single submitter. Criteria: Invitae Variant Classification Sherloc (09022015). Collection method: clinical testing. Allele origin: germline.
Comment: This sequence change replaces glutamine, which is neutral and polar, with arginine, which is basic and polar, at codon 128 of the NEBL protein (p.Gln128Arg). This variant is present in population databases (rs139809958, gnomAD 0.005%). This missense change has been observed in individual(s) with dilated cardiomyopathy and endocardial fibroelastosis (PMID: 20951326). ClinVar contains an entry for this variant (Variation ID: 426645). An algorithm developed to predict the effect of missense changes on protein structure and function (PolyPhen-2) suggests that this variant is likely to be disruptive. Experimental studies have shown that this missense change affects NEBL function (PMID: 20951326). In summary, the available evidence is currently insufficient to determine the role of this variant in disease. Therefore, it has been classified as a Variant of Uncertain Significance.

GeneDx
Classification: Uncertain significance. Last evaluated: 2017-12-11. Review status: criteria provided, single submitter. Criteria: GeneDx Variant Classification (06012015). Collection method: clinical testing. Allele origin: germline. Affected: yes.
Comment: The Q128R variant of uncertain significance in the NEBL gene has been reported previously in a newborn with DCM and endocardial fibroelastosis (Purevjav et al., 2010). The Q128R variant is a semi-conservative amino acid substitution, which may impact secondary protein structure as these residues differ in some properties. Additionally, this substitution occurs at a position that is conserved across species and in silico analysis predicts this variant is probably damaging to the protein structure/function. In vivo studies in mice for the Q128R variant demonstrated possible embryonic lethality due to severe cardiac abnormalities (Purevjav et al., 2010). Nevertheless, additional functional studies are needed to further elucidate the effect of this variant on protein structure/function. The Q128R variant is observed in 5/66,694 alleles (0.01%) from individuals of non-Finnish European ancestry in large population cohorts (Lek et al., 2016; 1000 Genomes Consortium et al., 2015; Exome Variant Server). Furthermore, no missense variants in nearby residues have been reported in the Human Gene Mutation Database in association with DCM (Stenson et al., 2014).

Literature cited by the submitters: PubMed 20951326 (cited by Labcorp Genetics (formerly Invitae), Labcorp).